The following is an entry in ClinVar:

ClinVar aggregate classification (germline): Uncertain significance (1 of 4 stars; one submission).

Conditions:
CTNND2-related disorder. Also called: CTNND2-related condition.

gnomAD v4.1: 1 of 1,051,428 alleles (0.000095%); highest among the groups gnomAD compares: Non-Finnish European, 0.00011%; no homozygotes.

Submission:

PreventionGenetics, part of Exact Sciences
Classification: Uncertain significance for CTNND2-related condition. Last evaluated: 2024-12-24. Review status: criteria provided, single submitter. Criteria: ACMG Guidelines, 2015. Collection method: clinical testing. Allele origin: germline.
Comment: The CTNND2 c.652C>A variant is predicted to result in the amino acid substitution p.Pro218Thr. To our knowledge, this variant has not been reported in the literature or in a large population database (gnomAD), indicating this variant is rare. At this time, the clinical significance of this variant is uncertain due to the absence of conclusive functional and genetic evidence.

NM_001332.4(CTNND2):c.652C>A (p.Pro218Thr)

Gene: CTNND2 (catenin delta 2; minus strand). Cytogenetic location: 5p15.2.
Variant type: single nucleotide variant.
Coding change: c.652C>A on transcript NM_001332.4 (MANE Select); coding-DNA position 652, C replaced by A.
Protein change: p.Pro218Thr; replaces proline 218 with threonine.
Molecular consequence: missense variant. On other transcripts: intron variant (3).
Genome position (GRCh38, 1-based): chr5:11,385,190, G>T on the plus strand (C>A on the coding strand, the complement: CTNND2 is on the minus strand). VCF-style: chr5-11385190-G-T. GRCh37 (hg19) VCF-style: chr5-11385302-G-T.
Other names: c.379C>A, p.Pro127Thr (NM_001288715.1); c.-123+11841C>A (NM_001288717.2); c.167-20300C>A (NM_001364128.2, NM_001288716.1); short protein forms P127T, P218T.
Identifiers: ClinVar variation 4989365 (VCV004989365.1).